The following is an entry in ClinVar:

NM_000548.5(TSC2):c.307G>A (p.Ala103Thr)

Gene: TSC2 (TSC complex subunit 2; plus strand). Cytogenetic location: 16p13.3.
Variant type: single nucleotide variant.
Coding change: c.307G>A on transcript NM_000548.5 (MANE Select); coding-DNA position 307, G replaced by A.
Protein change: p.Ala103Thr; replaces alanine 103 with threonine.
Molecular consequence: missense variant. On other transcripts: intron variant (2).
Genome position (GRCh38, 1-based): chr16:2,053,423, G>A. VCF-style: chr16-2053423-G-A. GRCh37 (hg19) VCF-style: chr16-2103424-G-A.
Other names: c.307G>A, p.Ala103Thr (NM_001077183.3, NM_001114382.3, NM_001363528.2 and 3 more transcripts); c.160G>A, p.Ala54Thr (NM_001318829.2); c.340G>A, p.Ala114Thr (NM_001318832.2); c.226-873G>A (NM_001318827.2); c.-1-2773G>A (NM_001318831.2); short protein forms A103T, A114T, A54T.
Identifiers: ClinVar variation 1425907 (VCV001425907.8), dbSNP rs2151028402, ClinGen allele CA394305887.

ClinVar aggregate classification (germline): Uncertain significance (1 of 4 stars; one submission).

Conditions:
Tuberous sclerosis 2 (TSC2). Identifiers: Orphanet 805, MedGen C1860707, MONDO:0013199, OMIM 613254.

Submission:

Labcorp Genetics (formerly Invitae), Labcorp
Classification: Uncertain significance for Tuberous sclerosis 2. Last evaluated: 2021-07-04. Review status: criteria provided, single submitter. Criteria: Invitae Variant Classification Sherloc (09022015). Collection method: clinical testing. Allele origin: germline.
Comment: This variant is not present in population databases (ExAC no frequency). This sequence change replaces alanine with threonine at codon 103 of the TSC2 protein (p.Ala103Thr). The alanine residue is weakly conserved and there is a small physicochemical difference between alanine and threonine. This variant has not been reported in the literature in individuals affected with TSC2-related conditions. Advanced modeling of protein sequence and biophysical properties (such as structural, functional, and spatial information, amino acid conservation, physicochemical variation, residue mobility, and thermodynamic stability) performed at Invitae indicates that this missense variant is not expected to disrupt TSC2 protein function. In summary, the available evidence is currently insufficient to determine the role of this variant in disease. Therefore, it has been classified as a Variant of Uncertain Significance.